The following is an entry in ClinVar:

NM_153252.5(BRWD3):c.4340G>A (p.Arg1447Gln)

Gene: BRWD3 (bromodomain and WD repeat domain containing 3; minus strand). Cytogenetic location: Xq21.1.
Variant type: single nucleotide variant.
Coding change: c.4340G>A on transcript NM_153252.5 (MANE Select); coding-DNA position 4340, G replaced by A.
Protein change: p.Arg1447Gln; replaces arginine 1447 with glutamine.
Molecular consequence: missense variant.
Genome position (GRCh38, 1-based): chrX:80,682,522, C>T on the plus strand (G>A on the coding strand, the complement: BRWD3 is on the minus strand). VCF-style: chrX-80682522-C-T. GRCh37 (hg19) VCF-style: chrX-79938021-C-T.
Other names: c.4340G>A (NM_153252.4); short protein forms R1447Q.
Identifiers: ClinVar variation 2660983 (VCV002660983.27), dbSNP rs1378619581, ClinGen allele CA413609736.
Genomic context (GRCh38, chrX:80,682,522, plus strand): 5'-TACCTAGGTGCTCCACTACTAGATAATGAACTGCTGCTGCTTCTTAGACGTTTTCTGTAC[C>T]GTGGCCTTCTCCTCTTCTGACTCTGGATTGCTGACTTATATTCAGAGATGATATTTTTGA-3'
Protein context (NP_694984.5, residues 1437-1457): AIQSQKRRRP[Arg1447Gln]YRKRLRSSSS

ClinVar aggregate classification (germline): Uncertain significance. Review status: criteria provided, multiple submitters, no conflicts (2 of 4 stars). 3 submissions from 3 submitters: Uncertain significance (3). Last evaluated 2025-12-10.

Conditions:
Inborn genetic diseases. Identifiers: MedGen C0950123, MeSH D030342.

Allele frequency attached by ClinVar (database versions not stated): gnomAD exomes 0.00001.
gnomAD v4.1: 7 of 1,210,036 alleles (0.00058%); highest among the groups gnomAD compares: East Asian, 0.003%; no homozygotes.

Submissions (3):

Ambry Genetics
Classification: Uncertain significance for Inborn genetic diseases. Last evaluated: 2025-12-10. Review status: criteria provided, single submitter. Criteria: Ambry Variant Classification Scheme 2023. Collection method: clinical testing. Allele origin: germline.

Labcorp Genetics (formerly Invitae), Labcorp
Classification: Uncertain significance. Last evaluated: 2023-03-02. Review status: criteria provided, single submitter. Criteria: Invitae Variant Classification Sherloc (09022015). Collection method: clinical testing. Allele origin: germline.
Comment: In summary, the available evidence is currently insufficient to determine the role of this variant in disease. Therefore, it has been classified as a Variant of Uncertain Significance. Algorithms developed to predict the effect of sequence changes on RNA splicing suggest that this variant may disrupt the consensus splice site. Advanced modeling of protein sequence and biophysical properties (such as structural, functional, and spatial information, amino acid conservation, physicochemical variation, residue mobility, and thermodynamic stability) performed at Invitae indicates that this missense variant is not expected to disrupt BRWD3 protein function. This variant has not been reported in the literature in individuals affected with BRWD3-related conditions. This variant is not present in population databases (gnomAD no frequency). This sequence change replaces arginine, which is basic and polar, with glutamine, which is neutral and polar, at codon 1447 of the BRWD3 protein (p.Arg1447Gln).

CeGaT Center for Human Genetics Tuebingen
Classification: Uncertain significance. Last evaluated: 2022-09-01. Review status: criteria provided, single submitter. Criteria: CeGaT Center For Human Genetics Tuebingen Variant Classification Criteria Version 2. Collection method: clinical testing. Allele origin: germline. Affected: yes. Observed: 1 variant allele.
Comment: BRWD3: PM2, PP2, BP4